The following is an entry in ClinVar:

NM_001184.4(ATR):c.7077A>G (p.Glu2359=)

Gene: ATR (ATR checkpoint kinase; minus strand). Cytogenetic location: 3q23.
Variant type: single nucleotide variant.
Coding change: c.7077A>G on transcript NM_001184.4 (MANE Select); coding-DNA position 7077, A replaced by G.
Protein change: p.Glu2359=; no amino-acid change (glutamic acid 2359 retained).
Molecular consequence: synonymous variant.
Genome position (GRCh38, 1-based): chr3:142,462,055, T>C on the plus strand (A>G on the coding strand, the complement: ATR is on the minus strand). VCF-style: chr3-142462055-T-C. GRCh37 (hg19) VCF-style: chr3-142180897-T-C.
Other names: c.6885A>G, p.Glu2295= (NM_001354579.2).
Identifiers: ClinVar variation 1657863 (VCV001657863.25), dbSNP rs1209398147, ClinGen allele CA436122069.

ClinVar aggregate classification (germline): Likely benign. Review status: criteria provided, multiple submitters, no conflicts (2 of 4 stars). 5 submissions from 4 submitters: Likely benign (5). Last evaluated 2025-12-14.

Conditions:
Inborn genetic diseases. Identifiers: MedGen C0950123, MeSH D030342.
Seckel syndrome 1 (SCKL1). Also called: MICROCEPHALIC PRIMORDIAL DWARFISM I. Identifiers: Orphanet 808, MedGen C4551474, MONDO:0008869, OMIM 210600.
Familial cutaneous telangiectasia and oropharyngeal predisposition cancer syndrome. Identifiers: Orphanet 313846, MedGen C3281203, MONDO:0013806, OMIM 614564.

Allele frequency attached by ClinVar (database versions not stated): TOPMed below 0.00001; gnomAD 0.00001; gnomAD exomes 0.00001.
gnomAD v4.1: 20 of 1,613,112 alleles (0.0012%); highest among the groups gnomAD compares: Non-Finnish European, 0.0016%; no homozygotes.

Submissions (5):

Labcorp Genetics (formerly Invitae), Labcorp
Classification: Likely benign. Last evaluated: 2025-12-14. Review status: criteria provided, single submitter. Criteria: Invitae Variant Classification Sherloc (09022015). Collection method: clinical testing. Allele origin: germline.

CeGaT Center for Human Genetics Tuebingen
Classification: Likely benign. Last evaluated: 2024-10-01. Review status: criteria provided, single submitter. Criteria: CeGaT Center For Human Genetics Tuebingen Variant Classification Criteria Version 2. Collection method: clinical testing. Allele origin: germline. Affected: yes. Observed: 1 variant allele.
Comment: ATR: BP4, BP7

Genome-Nilou Lab
Classification: Likely benign for Seckel syndrome 1. Last evaluated: 2023-02-08. Review status: criteria provided, single submitter. Criteria: ACMG Guidelines, 2015. Collection method: clinical testing. Allele origin: germline.

Genome-Nilou Lab
Classification: Likely benign for Familial cutaneous telangiectasia and oropharyngeal predisposition cancer syndrome. Last evaluated: 2023-02-08. Review status: criteria provided, single submitter. Criteria: ACMG Guidelines, 2015. Collection method: clinical testing. Allele origin: germline.

Ambry Genetics
Classification: Likely benign for Inborn genetic diseases. Last evaluated: 2022-03-23. Review status: criteria provided, single submitter. Criteria: Ambry Variant Classification Scheme 2023. Collection method: clinical testing. Allele origin: germline.